The following is an entry in ClinVar:

ClinVar aggregate classification (germline): Likely pathogenic (1 of 4 stars; one submission).

Conditions:
Retinitis pigmentosa 25 (RP25). Identifiers: Orphanet 791, MedGen C1864446, MONDO:0011272, OMIM 602772.

Submission:

Natera, Inc.
Classification: Likely pathogenic for Retinitis pigmentosa type 25. Last evaluated: 2025-03-06. Review status: criteria provided, single submitter. Criteria: Natera Variant Classification Schema (03/2026). Collection method: clinical testing. Allele origin: germline.
Comment: The c.2581A>T variant in EYS is a nonsense variant predicted to introduce a stop codon at amino acid 861. This variant is expected to result in nonsense mediated decay, truncation, or a dysfunctional protein product. This variant is rare in the general population with a frequency below the threshold expected for the associated phenotype(s). Given the available evidence, this variant is classified as Likely Pathogenic.

NM_001142800.2(EYS):c.2581A>T (p.Arg861Ter)

Gene: EYS (EGF-like photoreceptor maintenance factor; minus strand). Cytogenetic location: 6q12.
Variant type: single nucleotide variant.
Coding change: c.2581A>T on transcript NM_001142800.2 (MANE Select); coding-DNA position 2581, A replaced by T.
Protein change: p.Arg861Ter; replaces arginine 861 with a stop codon.
Molecular consequence: nonsense.
Genome position (GRCh38, 1-based): chr6:64,912,544, T>A on the plus strand (A>T on the coding strand, the complement: EYS is on the minus strand). VCF-style: chr6-64912544-T-A. GRCh37 (hg19) VCF-style: chr6-65622437-T-A.
Other names: c.2581A>T, p.Arg861Ter (NM_001292009.2); short protein forms R861*.
Identifiers: ClinVar variation 4067697 (VCV004067697.2).